The following is an entry in ClinVar:

NM_199420.4(POLQ):c.4108G>A (p.Glu1370Lys)

Gene: POLQ (DNA polymerase theta; minus strand). Cytogenetic location: 3q13.33.
Variant type: single nucleotide variant.
Coding change: c.4108G>A on transcript NM_199420.4 (MANE Select); coding-DNA position 4108, G replaced by A.
Protein change: p.Glu1370Lys; replaces glutamic acid 1370 with lysine.
Molecular consequence: missense variant.
Genome position (GRCh38, 1-based): chr3:121,488,823, C>T on the plus strand (G>A on the coding strand, the complement: POLQ is on the minus strand). VCF-style: chr3-121488823-C-T. GRCh37 (hg19) VCF-style: chr3-121207670-C-T.
Other names: short protein forms E1370K.
Identifiers: ClinVar variation 1737894 (VCV001737894.2), dbSNP rs2048037597, ClinGen allele CA354096132.

ClinVar aggregate classification (germline): Uncertain significance (1 of 4 stars; one submission).

Allele frequency attached by ClinVar (database versions not stated): gnomAD exomes below 0.00001; TOPMed below 0.00001.
gnomAD v4.1: 1 of 1,613,914 alleles (0.000062%); highest among the groups gnomAD compares: Non-Finnish European, 0.000085%; no homozygotes.

Submission:

Ambry Genetics
Classification: Uncertain significance. Last evaluated: 2022-05-26. Review status: criteria provided, single submitter. Criteria: Ambry Variant Classification Scheme 2023. Collection method: clinical testing. Allele origin: germline.
Comment: The p.E1370K variant (also known as c.4108G>A), located in coding exon 16 of the POLQ gene, results from a G to A substitution at nucleotide position 4108. The glutamic acid at codon 1370 is replaced by lysine, an amino acid with similar properties. This amino acid position is conserved. In addition, this alteration is predicted to be tolerated by in silico analysis. Since supporting evidence is limited at this time, the clinical significance of this alteration remains unclear.